The following is an entry in ClinVar:

ClinVar aggregate classification (germline): Benign. Review status: criteria provided, multiple submitters, no conflicts (2 of 4 stars). 2 submissions from 2 submitters: Benign (2). Last evaluated 2018-06-14.

Allele frequency attached by ClinVar (database versions not stated): ESP Exome Variant Server 0.67553; gnomAD 0.69964 and 0.70273; TOPMed 0.70770; 1000 Genomes Project 30x 0.80700; 1000 Genomes Project 0.80911.
gnomAD v4.1: 976,944 of 1,607,668 alleles (61%); highest among the groups gnomAD compares: East Asian, 94%; 307,344 homozygotes.

Submissions (2):

GeneDx
Classification: Benign. Last evaluated: 2018-06-14. Review status: criteria provided, single submitter. Criteria: GeneDx Variant Classification (06012015). Collection method: clinical testing. Allele origin: germline. Affected: yes.
Comment: This variant is considered likely benign or benign based on one or more of the following criteria: it is a conservative change, it occurs at a poorly conserved position in the protein, it is predicted to be benign by multiple in silico algorithms, and/or has population frequency not consistent with disease.

Breakthrough Genomics
Classification: Benign. Review status: criteria provided, single submitter. Criteria: ACMG Guidelines, 2015. Collection method: not provided. Allele origin: germline. Inheritance: Autosomal recessive inheritance. Affected: yes.

NM_002206.3(ITGA7):c.671-44A>C

Gene: ITGA7 (integrin subunit alpha 7; minus strand). Cytogenetic location: 12q13.2.
Variant type: single nucleotide variant.
Coding change: c.671-44A>C on transcript NM_002206.3 (MANE Select); 44 bases into the intron before coding-DNA position 671, A replaced by C.
Molecular consequence: intron variant.
Genome position (GRCh38, 1-based): chr12:55,700,033, T>G on the plus strand (A>C on the coding strand, the complement: ITGA7 is on the minus strand). VCF-style: chr12-55700033-T-G. GRCh37 (hg19) VCF-style: chr12-56093817-T-G.
Other names: c.511+229A>C (NM_001144997.2); c.463+229A>C (NM_001367993.1); c.332-44A>C (NM_001414035.1); c.488-44A>C (NM_001414033.1); c.-503+866A>C (NM_001367994.1); c.670+866A>C (NM_001414032.1); c.671-44A>C (NM_001414031.1, NM_001374465.1, NM_001414034.1); c.802+229A>C (NM_001414030.1, NM_001414029.1, NM_001144996.2); and 1 more.
Identifiers: ClinVar variation 682007 (VCV000682007.2), dbSNP rs11171660, ClinGen allele CA6616205.
Genomic context (GRCh38, chr12:55,700,033, plus strand): 5'-GGTCACAAAAAGCAACCCTGTGGGGGGTGGGGTGAGACACCAGGGAGGGGACATCCAGAG[T>G]AGGGGCCACAGAGTAGGGAGACAGAGCCACAGAAAGGCCAGAAAATGGTGGAAGAAGAAG-3'